The following is an entry in ClinVar:

NM_145046.5(CALR3):c.641C>G (p.Ser214Trp)

Gene: CALR3 (calreticulin 3; minus strand). Cytogenetic location: 19p13.11.
Variant type: single nucleotide variant.
Coding change: c.641C>G on transcript NM_145046.5 (MANE Select); coding-DNA position 641, C replaced by G.
Protein change: p.Ser214Trp; replaces serine 214 with tryptophan.
Molecular consequence: missense variant.
Genome position (GRCh38, 1-based): chr19:16,483,967, G>C on the plus strand (C>G on the coding strand, the complement: CALR3 is on the minus strand). VCF-style: chr19-16483967-G-C. GRCh37 (hg19) VCF-style: chr19-16594778-G-C.
Other names: short protein forms S214W.
Identifiers: ClinVar variation 955827 (VCV000955827.12), dbSNP rs550089146, ClinGen allele CA9278334.

ClinVar aggregate classification (germline): Uncertain significance. Review status: criteria provided, single submitter (1 of 4 stars). 2 submissions from 2 submitters: Uncertain significance (1). 1 of the submissions does not count toward it. Last evaluated 2025-06-24.

Conditions:
CALR3-related disorder. Also called: CALR3-related condition.
Hypertrophic cardiomyopathy 19. Also called: Familial hypertrophic cardiomyopathy 19. Identifiers: MedGen CN077603, MONDO:0013476.

Allele frequency attached by ClinVar (database versions not stated): TOPMed 0.00001; gnomAD 0.00004; 1000 Genomes Project 30x 0.00016; 1000 Genomes Project 0.00020.
gnomAD v4.1: 10 of 1,613,940 alleles (0.00062%); highest among the groups gnomAD compares: African/African-American, 0.013%; no homozygotes.

Submissions (2):

Labcorp Genetics (formerly Invitae), Labcorp
Classification: Uncertain significance for Hypertrophic cardiomyopathy 19. Last evaluated: 2025-06-24. Review status: criteria provided, single submitter. Criteria: Invitae Variant Classification Sherloc (09022015). Collection method: clinical testing. Allele origin: germline.
Comment: This sequence change replaces serine, which is neutral and polar, with tryptophan, which is neutral and slightly polar, at codon 214 of the CALR3 protein (p.Ser214Trp). This variant is present in population databases (rs550089146, gnomAD 0.01%). This variant has not been reported in the literature in individuals affected with CALR3-related conditions. ClinVar contains an entry for this variant (Variation ID: 955827). Invitae Evidence Modeling of protein sequence and biophysical properties (such as structural, functional, and spatial information, amino acid conservation, physicochemical variation, residue mobility, and thermodynamic stability) indicates that this missense variant is not expected to disrupt CALR3 protein function with a negative predictive value of 80%. In summary, the available evidence is currently insufficient to determine the role of this variant in disease. Therefore, it has been classified as a Variant of Uncertain Significance.

PreventionGenetics, part of Exact Sciences
Classification: Uncertain significance for CALR3-related condition. Last evaluated: 2023-12-04. Review status: no assertion criteria provided. Collection method: clinical testing. Allele origin: germline. Not counted in ClinVar's aggregate classification.
Comment: The CALR3 c.641C>G variant is predicted to result in the amino acid substitution p.Ser214Trp. To our knowledge, this variant has not been reported in the literature. This variant is reported in 0.016% of alleles in individuals of African descent in gnomAD. At this time, the clinical significance of this variant is uncertain due to the absence of conclusive functional and genetic evidence.